The following is an entry in ClinVar:

ClinVar aggregate classification (germline): Likely pathogenic. Review status: criteria provided, multiple submitters, no conflicts (2 of 4 stars). 3 submissions from 3 submitters: Likely pathogenic (2). 1 of the submissions does not count toward it. Last evaluated 2025-04-01.

Conditions:
Retinal dystrophy. Also called: Inherited retinal dystrophy. Identifiers: Orphanet 71862, MedGen C0854723, MeSH D058499, MONDO:0019118, HP:0000556.
Stargardt disease (FFM). Also called: Stargardt's disease; Fundus flavimaculatus. Identifiers: Orphanet 827, MedGen C0271093, MONDO:0019353.

Allele frequency attached by ClinVar (database versions not stated): gnomAD exomes below 0.00001.
gnomAD v4.1: 2 of 1,614,146 alleles (0.00012%); highest among the groups gnomAD compares: Non-Finnish European, 0.00017%; no homozygotes.

Submissions (3):

CeGaT Center for Human Genetics Tuebingen
Classification: Likely pathogenic. Last evaluated: 2025-04-01. Review status: criteria provided, single submitter. Criteria: CeGaT Center For Human Genetics Tuebingen Variant Classification Criteria Version 2. Collection method: clinical testing. Allele origin: germline. Affected: yes. Observed: 1 variant allele.
Comment: ABCA4: PM2, PM3, PM5, PP3

Institute of Human Genetics, Univ. Regensburg, Univ. Regensburg
Classification: Likely pathogenic for Retinal dystrophy. Last evaluated: 2020-01-01. Review status: criteria provided, single submitter. Criteria: ACMG Guidelines, 2015. Collection method: clinical testing. Allele origin: germline. Affected: yes.

Department of Clinical Genetics, Copenhagen University Hospital, Rigshospitalet
Classification: Likely pathogenic for Stargardt disease. Last evaluated: 2018-04-01. Review status: no assertion criteria provided. Collection method: research. Allele origin: unknown. Affected: yes. Study: VeluxRD. Not counted in ClinVar's aggregate classification.

Literature cited by the submitters: PubMed 30718709 (cited by Institute of Human Genetics, Univ. Regensburg, Univ. Regensburg and Department of Clinical Genetics, Copenhagen University Hospital, Rigshospitalet); PubMed 32531858 (cited by Institute of Human Genetics, Univ. Regensburg, Univ. Regensburg).

NM_000350.3(ABCA4):c.6454G>T (p.Gly2152Cys)

Gene: ABCA4 (ATP binding cassette subfamily A member 4; minus strand). Cytogenetic location: 1p22.1.
Variant type: single nucleotide variant.
Coding change: c.6454G>T on transcript NM_000350.3 (MANE Select); coding-DNA position 6454, G replaced by T.
Protein change: p.Gly2152Cys; replaces glycine 2152 with cysteine.
Molecular consequence: missense variant.
Genome position (GRCh38, 1-based): chr1:94,000,861, C>A on the plus strand (G>T on the coding strand, the complement: ABCA4 is on the minus strand). VCF-style: chr1-94000861-C-A. GRCh37 (hg19) VCF-style: chr1-94466417-C-A.
Other names: c.6232G>T, p.Gly2078Cys (NM_001425324.1); short protein forms G2152C, G2078C.
Identifiers: ClinVar variation 635990 (VCV000635990.10), dbSNP rs1571241947, ClinGen allele CA341277276.